The following is an entry in ClinVar:

NM_001291303.3(FAT4):c.829G>A (p.Ala277Thr)

Gene: FAT4 (FAT atypical cadherin 4; plus strand). Cytogenetic location: 4q28.1.
Variant type: single nucleotide variant.
Coding change: c.829G>A on transcript NM_001291303.3 (MANE Select); coding-DNA position 829, G replaced by A.
Protein change: p.Ala277Thr; replaces alanine 277 with threonine.
Molecular consequence: missense variant.
Genome position (GRCh38, 1-based): chr4:125,317,240, G>A. VCF-style: chr4-125317240-G-A. GRCh37 (hg19) VCF-style: chr4-126238395-G-A.
Other names: c.829G>A, p.Ala277Thr (NM_001291285.3, NM_024582.6); c.829G>A (NM_001291303.1); short protein forms A277T.
Identifiers: ClinVar variation 1105289 (VCV001105289.20), dbSNP rs183191959, ClinGen allele CA3071873.
Genomic context (GRCh38, chr4:125,317,240, plus strand): 5'-GCGGGGGTGCCTGAGGACGCGGTTGTGGGTTCCAGCGTCCTCCAGGTGGCGGCGGCGGAC[G>A]CGGACGAGGGCACCAACGCGGACATCCGCTATCGCCTGCAGGACGAGGGGACCCCCTTCC-3'
Protein context (NP_001278232.1, residues 267-287): SSVLQVAAAD[Ala277Thr]DEGTNADIRY

ClinVar aggregate classification (germline): Conflicting classifications of pathogenicity. Review status: criteria provided, conflicting classifications (1 of 4 stars). 5 submissions from 5 submitters: Uncertain significance (3); Likely benign (2). Last evaluated 2026-01-27.

Conditions:
FAT4-related disorder. Also called: FAT4-related condition.

Allele frequency attached by ClinVar (database versions not stated): 1000 Genomes Project 30x 0.00016; 1000 Genomes Project 0.00020; gnomAD exomes 0.00021; ExAC 0.00023; ESP Exome Variant Server 0.00025; TOPMed 0.00031.
gnomAD v4.1: 776 of 1,578,150 alleles (0.049%); highest among the groups gnomAD compares: Non-Finnish European, 0.062%; 1 homozygote.

Submissions (5):

Labcorp Genetics (formerly Invitae), Labcorp
Classification: Likely benign. Last evaluated: 2026-01-27. Review status: criteria provided, single submitter. Criteria: Invitae Variant Classification Sherloc (09022015). Collection method: clinical testing. Allele origin: germline.

GeneDx
Classification: Uncertain significance. Last evaluated: 2025-10-09. Review status: criteria provided, single submitter. Criteria: GeneDx Variant Classification Process June 2021. Collection method: clinical testing. Allele origin: germline. Affected: yes.
Comment: In silico analysis suggests that this missense variant does not alter protein structure/function; Has not been previously published as pathogenic or benign to our knowledge

CeGaT Center for Human Genetics Tuebingen
Classification: Likely benign. Last evaluated: 2025-03-01. Review status: criteria provided, single submitter. Criteria: CeGaT Center For Human Genetics Tuebingen Variant Classification Criteria Version 2. Collection method: clinical testing. Allele origin: germline. Affected: yes. Observed: 1 variant allele.
Comment: FAT4: BS2

Blueprint Genetics
Classification: Uncertain significance. Last evaluated: 2024-11-26. Review status: criteria provided, single submitter. Criteria: ACMG Guidelines, 2015. Collection method: clinical testing. Allele origin: germline.

PreventionGenetics, part of Exact Sciences
Classification: Uncertain significance for FAT4-related condition. Last evaluated: 2023-04-04. Review status: criteria provided, single submitter. Criteria: ACMG Guidelines, 2015. Collection method: clinical testing. Allele origin: germline.
Comment: The FAT4 c.829G>A variant is predicted to result in the amino acid substitution p.Ala277Thr. To our knowledge, this variant has not been reported in the literature. This variant is reported in 0.039% of alleles in individuals of European (Non-Finnish) descent in gnomAD. At this time, the clinical significance of this variant is uncertain due to the absence of conclusive functional and genetic evidence.